The following is an entry in ClinVar:

ClinVar aggregate classification (germline): Likely benign (0 of 4 stars; one submission).

Conditions:
TUBA4A-related disorder. Also called: TUBA4A-related condition.

Allele frequency attached by ClinVar (database versions not stated): ExAC 0.00002; TOPMed 0.00004; gnomAD 0.00007; gnomAD exomes 0.00008; ESP Exome Variant Server 0.00015.

Submission:

PreventionGenetics, part of Exact Sciences
Classification: Likely benign for TUBA4A-related condition. Last evaluated: 2022-06-07. Review status: no assertion criteria provided. Collection method: clinical testing. Allele origin: germline.
Comment: This variant is classified as likely benign based on ACMG/AMP sequence variant interpretation guidelines (Richards et al. 2015 PMID: 25741868, with internal and published modifications).

NM_006000.3(TUBA4A):c.66G>A (p.Glu22=)

Gene: TUBA4A (tubulin alpha 4a; minus strand). Cytogenetic location: 2q35.
Variant type: single nucleotide variant.
Coding change: c.66G>A on transcript NM_006000.3 (MANE Select); coding-DNA position 66, G replaced by A.
Protein change: p.Glu22=; no amino-acid change (glutamic acid 22 retained).
Molecular consequence: synonymous variant.
Genome position (GRCh38, 1-based): chr2:219,252,168, C>T on the plus strand (G>A on the coding strand, the complement: TUBA4A is on the minus strand). VCF-style: chr2-219252168-C-T. GRCh37 (hg19) VCF-style: chr2-220116890-C-T.
Other names: c.21G>A, p.Glu7= (NM_001278552.2).
Identifiers: ClinVar variation 3054998 (VCV003054998.2), dbSNP rs141429751, ClinGen allele CA2122547.
Genomic context (GRCh38, chr2:219,252,168, plus strand): 5'-AATGGTCTTGTCACTGGGCATCTGCCCATCAGGCTGAATCCCATGTTCCAAGCAATAGAG[C>T]TCCCAGCAGGCATTGCCCATCTGGACACCTGCCTGCCCCACGTGGACTGAGATGCATTCA-3'
Protein context (NP_005991.1, residues 12-32): AGVQMGNACW[Glu22=]LYCLEHGIQP